The following is an entry in ClinVar:

ClinVar aggregate classification (germline): Uncertain significance (1 of 4 stars; one submission).

Conditions:
Norman-Roberts syndrome (LIS2). Also called: Lissencephaly 2 (Norman-Roberts type). Identifiers: Orphanet 89844, MedGen C0796089, MONDO:0009760, OMIM 257320.
Familial temporal lobe epilepsy 7. Identifiers: Orphanet 101046, MedGen C4225327, MONDO:0014639, OMIM 616436.

gnomAD v4.1: 12 of 1,613,808 alleles (0.00074%); highest among the groups gnomAD compares: South Asian, 0.0077%; 1 homozygote.

Submission:

Labcorp Genetics (formerly Invitae), Labcorp
Classification: Uncertain significance for Familial temporal lobe epilepsy 7; Norman-Roberts syndrome. Last evaluated: 2024-09-10. Review status: criteria provided, single submitter. Criteria: Invitae Variant Classification Sherloc (09022015). Collection method: clinical testing. Allele origin: germline.
Comment: This sequence change replaces isoleucine, which is neutral and non-polar, with serine, which is neutral and polar, at codon 1371 of the RELN protein (p.Ile1371Ser). This variant is present in population databases (no rsID available, gnomAD 0.003%). This variant has not been reported in the literature in individuals affected with RELN-related conditions. Invitae Evidence Modeling of protein sequence and biophysical properties (such as structural, functional, and spatial information, amino acid conservation, physicochemical variation, residue mobility, and thermodynamic stability) indicates that this missense variant is not expected to disrupt RELN protein function with a negative predictive value of 80%. In summary, the available evidence is currently insufficient to determine the role of this variant in disease. Therefore, it has been classified as a Variant of Uncertain Significance.

NM_005045.4(RELN):c.4112T>G (p.Ile1371Ser)

Gene: RELN (reelin; minus strand). Cytogenetic location: 7q22.1.
Variant type: single nucleotide variant.
Coding change: c.4112T>G on transcript NM_005045.4 (MANE Select); coding-DNA position 4112, T replaced by G.
Protein change: p.Ile1371Ser; replaces isoleucine 1371 with serine.
Molecular consequence: missense variant.
Genome position (GRCh38, 1-based): chr7:103,589,629, A>C on the plus strand (T>G on the coding strand, the complement: RELN is on the minus strand). VCF-style: chr7-103589629-A-C. GRCh37 (hg19) VCF-style: chr7-103230076-A-C.
Other names: c.4112T>G, p.Ile1371Ser (NM_173054.3); short protein forms I1371S.
Identifiers: ClinVar variation 3762171 (VCV003762171.2).
Genomic context (GRCh38, chr7:103,589,629, plus strand): 5'-CAAACCCATTAAGAATGATTACTTTACCTGGATGCAAGAGACCTTGGAATAACAATGGTG[A>C]TTCTTGTCCATTCTTCAAAGTCCCCTGTGTGATACATGGTGGGCTCACTTAGTTCTCTGG-3'
Protein context (NP_005036.2, residues 1361-1381): HTGDFEEWTR[Ile1371Ser]TIVIPRSLAS